The following is an entry in ClinVar:

NM_004484.4(GPC3):c.1594G>T (p.Val532Leu)

Gene: GPC3 (glypican 3; minus strand). Cytogenetic location: Xq26.2.
Variant type: single nucleotide variant.
Coding change: c.1594G>T on transcript NM_004484.4 (MANE Select); coding-DNA position 1594, G replaced by T.
Protein change: p.Val532Leu; replaces valine 532 with leucine.
Molecular consequence: missense variant.
Genome position (GRCh38, 1-based): chrX:133,536,273, C>A on the plus strand (G>T on the coding strand, the complement: GPC3 is on the minus strand). VCF-style: chrX-133536273-C-A. GRCh37 (hg19) VCF-style: chrX-132670301-C-A.
Other names: c.1663G>T, p.Val555Leu (NM_001164617.2); c.1546G>T, p.Val516Leu (NM_001164618.2); c.1432G>T, p.Val478Leu (NM_001164619.2); short protein forms V516L, V532L, V555L, V478L.
Identifiers: ClinVar variation 639319 (VCV000639319.9), dbSNP rs1603139499, ClinGen allele CA414703196.

ClinVar aggregate classification (germline): Uncertain significance (1 of 4 stars; one submission).

Conditions:
Wilms tumor 1 (WT1). Also called: Wilms tumor, somatic. Identifiers: Orphanet 654, MedGen CN033288, MONDO:0008679, OMIM 194070.

Submission:

Labcorp Genetics (formerly Invitae), Labcorp
Classification: Uncertain significance for Wilms tumor 1. Last evaluated: 2025-07-31. Review status: criteria provided, single submitter. Criteria: Invitae Variant Classification Sherloc (09022015). Collection method: clinical testing. Allele origin: germline.
Comment: This sequence change replaces valine, which is neutral and non-polar, with leucine, which is neutral and non-polar, at codon 532 of the GPC3 protein (p.Val532Leu). This variant is not present in population databases (gnomAD no frequency). This variant has not been reported in the literature in individuals affected with GPC3-related conditions. ClinVar contains an entry for this variant (Variation ID: 639319). An algorithm developed to predict the effect of missense changes on protein structure and function (PolyPhen-2) suggests that this variant is likely to be tolerated. In summary, the available evidence is currently insufficient to determine the role of this variant in disease. Therefore, it has been classified as a Variant of Uncertain Significance.